The following is an entry in ClinVar:

NM_001035.3(RYR2):c.9755A>G (p.His3252Arg)

Gene: RYR2 (ryanodine receptor 2; plus strand). Cytogenetic location: 1q43.
Variant type: single nucleotide variant.
Coding change: c.9755A>G on transcript NM_001035.3 (MANE Select); coding-DNA position 9755, A replaced by G.
Protein change: p.His3252Arg; replaces histidine 3252 with arginine.
Molecular consequence: missense variant.
Genome position (GRCh38, 1-based): chr1:237,707,123, A>G. VCF-style: chr1-237707123-A-G. GRCh37 (hg19) VCF-style: chr1-237870423-A-G.
Other names: c.9755A>G, p.His3252Arg (LRG_402t1); short protein forms H3252R.
Identifiers: ClinVar variation 296742 (VCV000296742.22), dbSNP rs760379293, ClinGen allele CA087952.

ClinVar aggregate classification (germline): Conflicting classifications of pathogenicity. Review status: criteria provided, conflicting classifications (1 of 4 stars). 9 submissions from 8 submitters: Uncertain significance (7); Likely benign (2). Last evaluated 2026-08-06.

Conditions:
Catecholaminergic polymorphic ventricular tachycardia (CVPT). Also called: Catecholamine-induced polymorphic ventricular tachycardia. Identifiers: Orphanet 3286, MedGen C5574922, MONDO:0017990.
Cardiomyopathy (CMYO). Also called: Cardiomyopathies. Identifiers: Orphanet 167848, MedGen C0878544, MONDO:0004994, HP:0001638. Inheritance: Various modes of inheritance.
Arrhythmogenic right ventricular dysplasia 2. Identifiers: MedGen C1832931.
Cardiovascular phenotype. Identifiers: MedGen CN230736.
Catecholaminergic polymorphic ventricular tachycardia 1. Also called: VENTRICULAR TACHYCARDIA, STRESS-INDUCED POLYMORPHIC 1; VENTRICULAR TACHYCARDIA, CATECHOLAMINERGIC POLYMORPHIC, 1, WITH OR WITHOUT ATRIAL DYSFUNCTION AND/OR DILATED CARDIOMYOPATHY; RYR2-Related Catecholaminergic Polymorphic Ventricular Tachycardia. Identifiers: Orphanet 3286, MedGen C1631597, MONDO:0011484, OMIM 604772.

Allele frequency attached by ClinVar (database versions not stated): TOPMed 0.00002; ExAC 0.00002; gnomAD exomes 0.00001 and 0.00003.
gnomAD v4.1: 11 of 1,613,972 alleles (0.00068%); highest among the groups gnomAD compares: Admixed American, 0.013%; no homozygotes.

Submissions (9):

OLLIN Analises Genomicas, OLLIN
Classification: Uncertain significance for Catecholaminergic polymorphic ventricular tachycardia 1. Last evaluated: 2026-08-06. Review status: criteria provided, single submitter. Criteria: ACMG Guidelines 2015 PMID 25741868. Collection method: clinical testing. Allele origin: germline. Inheritance: Autosomal dominant inheritance.
Comment: This missense variant, located in exon 68 (of 105), has been reported in ClinVar (accession VCV000296742.21) and in gnomAD with an allele frequency of 0.00068%. However, to our knowledge, it has not been reported in the scientific literature. In silico analysis predicts that this variant has a tolerated effect. This gene is constrained for missense variation. According to the currently available evidence, this variant has been classified as uncertain significance (PP2, BP4).

Labcorp Genetics (formerly Invitae), Labcorp
Classification: Likely benign for Catecholaminergic polymorphic ventricular tachycardia 1. Last evaluated: 2025-11-12. Review status: criteria provided, single submitter. Criteria: Invitae Variant Classification Sherloc (09022015). Collection method: clinical testing. Allele origin: germline.

Color Diagnostics, LLC DBA Color Health
Classification: Likely benign for Cardiomyopathy. Last evaluated: 2025-09-09. Review status: criteria provided, single submitter. Criteria: ACMG Guidelines, 2015. Collection method: clinical testing. Allele origin: germline.

Women's Health and Genetics/Laboratory Corporation of America, LabCorp
Classification: Uncertain significance. Last evaluated: 2025-04-04. Review status: criteria provided, single submitter. Criteria: LabCorp Variant Classification Summary - May 2015. Collection method: clinical testing. Allele origin: germline.
Comment: Variant summary: RYR2 c.9755A>G (p.His3252Arg) results in a non-conservative amino acid change in the encoded protein sequence. Two of four in-silico tools predict a benign effect of the variant on protein function. The variant allele was found at a frequency of 3.2e-05 in 249004 control chromosomes (gnomAD). The available data on variant occurrences in the general population are insufficient to allow any conclusion about variant significance. To our knowledge, no occurrence of c.9755A>G in individuals affected with Catecholaminergic Polymorphic Ventricular Tachycardia and no experimental evidence demonstrating its impact on protein function have been reported. ClinVar contains an entry for this variant (Variation ID: 296742). Based on the evidence outlined above, the variant was classified as uncertain significance.

All of Us Research Program, National Institutes of Health
Classification: Uncertain significance for Catecholaminergic polymorphic ventricular tachycardia. Last evaluated: 2023-12-18. Review status: criteria provided, single submitter. Criteria: ACMG Guidelines, 2015. Collection method: clinical testing. Allele origin: germline. Inheritance: Autosomal dominant inheritance. Observed: 4 variant alleles, 4 heterozygotes.
Comment: This missense variant replaces histidine with arginine at codon 3252 of the RYR2 protein. Computational prediction suggests that this variant may not impact protein structure and function (internally defined REVEL score threshold <= 0.5, PMID: 27666373). To our knowledge, functional studies have not been reported for this variant. This variant has not been reported in individuals affected with cardiovascular disorders in the literature. This variant has been identified in 8/249004 chromosomes in the general population by the Genome Aggregation Database (gnomAD). The available evidence is insufficient to determine the role of this variant in disease conclusively. Therefore, this variant is classified as a Variant of Uncertain Significance.

This study involves interpretation of variants in research participants for the purpose of population health screening. Participant phenotype was not available at the time of variant classification. Additional details can be found in publication PMID: 35346344, PMCID: PMC8962531

Ambry Genetics
Classification: Uncertain significance for Cardiovascular phenotype. Last evaluated: 2023-08-09. Review status: criteria provided, single submitter. Criteria: Ambry Variant Classification Scheme 2023. Collection method: clinical testing. Allele origin: germline.
Comment: The p.H3252R variant (also known as c.9755A>G), located in coding exon 68 of the RYR2 gene, results from an A to G substitution at nucleotide position 9755. The histidine at codon 3252 is replaced by arginine, an amino acid with highly similar properties. This alteration is reported in a hypertrophic cardiomyopathy (HCM) cohort (Mademont-Soler I et al. PLoS One, 2017 Aug;12:e0181465). This amino acid position is not well conserved in available vertebrate species. In addition, this alteration is predicted to be tolerated by in silico analysis. Since supporting evidence is limited at this time, the clinical significance of this alteration remains unclear.

GeneDx
Classification: Uncertain significance. Last evaluated: 2022-11-03. Review status: criteria provided, single submitter. Criteria: GeneDx Variant Classification Process June 2021. Collection method: clinical testing. Allele origin: germline. Affected: yes.
Comment: In silico analysis supports that this missense variant does not alter protein structure/function; Has not been previously published as pathogenic or benign to our knowledge

Illumina Laboratory Services, Illumina
Classification: Uncertain significance for Catecholaminergic polymorphic ventricular tachycardia 1. Last evaluated: 2018-01-13. Review status: criteria provided, single submitter. Criteria: ICSL Variant Classification Criteria 13 December 2019. Collection method: clinical testing. Allele origin: germline.

Illumina Laboratory Services, Illumina
Classification: Uncertain significance for Catecholaminergic polymorphic ventricular tachycardia 1. Last evaluated: 2018-01-13. Review status: criteria provided, single submitter. Criteria: ICSL Variant Classification Criteria 13 December 2019. Collection method: clinical testing. Allele origin: germline.

Literature cited by the submitters: PubMed 28771489 (cited by Ambry Genetics).